The following is an entry in ClinVar:

ClinVar aggregate classification (germline): Likely benign (1 of 4 stars; one submission).

gnomAD v4.1: 4 of 1,612,558 alleles (0.00025%); highest among the groups gnomAD compares: Non-Finnish European, 0.00025%; no homozygotes.

Submission:

CeGaT Center for Human Genetics Tuebingen
Classification: Likely benign. Last evaluated: 2025-06-01. Review status: criteria provided, single submitter. Criteria: CeGaT Center For Human Genetics Tuebingen Variant Classification Criteria Version 2. Collection method: clinical testing. Allele origin: germline. Affected: yes. Observed: 1 variant allele.
Comment: ASPM: BP4, BP7

NM_018136.5(ASPM):c.8289G>A (p.Glu2763=)

Gene: ASPM (assembly factor for spindle microtubules; minus strand). Cytogenetic location: 1q31.3.
Variant type: single nucleotide variant.
Coding change: c.8289G>A on transcript NM_018136.5 (MANE Select); coding-DNA position 8289, G replaced by A.
Protein change: p.Glu2763=; no amino-acid change (glutamic acid 2763 retained).
Molecular consequence: synonymous variant. On other transcripts: intron variant (1).
Genome position (GRCh38, 1-based): chr1:197,100,962, C>T on the plus strand (G>A on the coding strand, the complement: ASPM is on the minus strand). VCF-style: chr1-197100962-C-T. GRCh37 (hg19) VCF-style: chr1-197070092-C-T.
Other names: c.4066-4798G>A (NM_001206846.2).
Identifiers: ClinVar variation 4085137 (VCV004085137.8).